The following is an entry in ClinVar:

ClinVar aggregate classification (germline): Uncertain significance (1 of 4 stars; one submission).

gnomAD v4.1: 1 of 1,613,220 alleles (0.000062%); highest among the groups gnomAD compares: Non-Finnish European, 0.000085%; no homozygotes.

Submission:

GeneDx
Classification: Uncertain significance. Last evaluated: 2025-01-07. Review status: criteria provided, single submitter. Criteria: GeneDx Variant Classification Process June 2021. Collection method: clinical testing. Allele origin: germline. Affected: yes.
Comment: Not observed at significant frequency in large population cohorts (gnomAD); In silico analysis indicates that this missense variant does not alter protein structure/function; Has not been previously published as pathogenic or benign to our knowledge

NM_004991.4(MECOM):c.2535G>C (p.Glu845Asp)

Gene: MECOM (MDS1 and EVI1 complex locus; minus strand). Cytogenetic location: 3q26.2.
Variant type: single nucleotide variant.
Coding change: c.2535G>C on transcript NM_004991.4 (MANE Select); coding-DNA position 2535, G replaced by C.
Protein change: p.Glu845Asp; replaces glutamic acid 845 with aspartic acid.
Molecular consequence: missense variant.
Genome position (GRCh38, 1-based): chr3:169,112,829, C>G on the plus strand (G>C on the coding strand, the complement: MECOM is on the minus strand). VCF-style: chr3-169112829-C-G. GRCh37 (hg19) VCF-style: chr3-168830617-C-G.
Other names: c.2166G>C, p.Glu722Asp (NM_001105077.4); c.1971G>C, p.Glu657Asp (NM_001105078.4, NM_001164000.2, NM_001205194.2 and 4 more transcripts); c.1974G>C, p.Glu658Asp (NM_001163999.2, NM_001366467.2, NM_001366468.2 and 1 more transcripts); c.2535G>C, p.Glu845Asp (NM_001366466.2); c.1563G>C, p.Glu521Asp (NM_001366473.2); c.999G>C, p.Glu333Asp (NM_001366474.2); short protein forms E333D, E521D, E657D, E658D, E722D, E845D.
Identifiers: ClinVar variation 4056989 (VCV004056989.1).
Genomic context (GRCh38, chr3:169,112,829, plus strand): 5'-CAAATCCAAAATACTTACTTGTGGGTGAAACAAGAATCCTGGAGAAGGCCTCAAGTATTT[C>G]TCTTTTAAAGCTTCAAGTGGGTCAGTTAGTTTTCTTTTCTCTACTCTGAAAGGTTAAAAT-3'
Protein context (NP_004982.2, residues 835-855): KLTDPLEALK[Glu845Asp]KYLRPSPGFL